The following is an entry in ClinVar:

ClinVar aggregate classification (germline): Uncertain significance. Review status: criteria provided, multiple submitters, no conflicts (2 of 4 stars). 2 submissions from 2 submitters: Uncertain significance (2). Last evaluated 2025-07-21.

Conditions:
Inborn genetic diseases. Identifiers: MedGen C0950123, MeSH D030342.

Allele frequency attached by ClinVar (database versions not stated): gnomAD exomes below 0.00001; TOPMed 0.00002; gnomAD 0.00003.
gnomAD v4.1: 6 of 1,613,978 alleles (0.00037%); highest among the groups gnomAD compares: African/African-American, 0.008%; no homozygotes.

Submissions (2):

Labcorp Genetics (formerly Invitae), Labcorp
Classification: Uncertain significance. Last evaluated: 2025-07-21. Review status: criteria provided, single submitter. Criteria: Invitae Variant Classification Sherloc (09022015). Collection method: clinical testing. Allele origin: germline.
Comment: This sequence change replaces asparagine, which is neutral and polar, with isoleucine, which is neutral and non-polar, at codon 1680 of the MYH3 protein (p.Asn1680Ile). This variant is present in population databases (no rsID available, gnomAD 0.01%). This variant has not been reported in the literature in individuals affected with MYH3-related conditions. ClinVar contains an entry for this variant (Variation ID: 2770404). Invitae Evidence Modeling of protein sequence and biophysical properties (such as structural, functional, and spatial information, amino acid conservation, physicochemical variation, residue mobility, and thermodynamic stability) indicates that this missense variant is not expected to disrupt MYH3 protein function with a negative predictive value of 95%. In summary, the available evidence is currently insufficient to determine the role of this variant in disease. Therefore, it has been classified as a Variant of Uncertain Significance.

Ambry Genetics
Classification: Uncertain significance for Inborn genetic diseases. Last evaluated: 2024-09-30. Review status: criteria provided, single submitter. Criteria: Ambry Variant Classification Scheme 2023. Collection method: clinical testing. Allele origin: germline.

NM_002470.4(MYH3):c.5039A>T (p.Asn1680Ile)

Gene: MYH3 (myosin heavy chain 3; minus strand). Cytogenetic location: 17p13.1.
Variant type: single nucleotide variant.
Coding change: c.5039A>T on transcript NM_002470.4 (MANE Select); coding-DNA position 5039, A replaced by T.
Protein change: p.Asn1680Ile; replaces asparagine 1680 with isoleucine.
Molecular consequence: missense variant.
Genome position (GRCh38, 1-based): chr17:10,631,934, T>A on the plus strand (A>T on the coding strand, the complement: MYH3 is on the minus strand). VCF-style: chr17-10631934-T-A. GRCh37 (hg19) VCF-style: chr17-10535251-T-A.
Other names: c.5039A>T (NM_002470.3); short protein forms N1680I.
Identifiers: ClinVar variation 2770404 (VCV002770404.4), dbSNP rs979326011, ClinGen allele CA287780279.